The following is an entry in ClinVar:

ClinVar aggregate classification (germline): Pathogenic (1 of 4 stars; one submission).

Conditions:
Joubert syndrome 3 (JBTS3). Also called: AHI1-related Ciliopathy. Identifiers: Orphanet 220493, MedGen C1837713, MONDO:0012078, OMIM 608629.

Submission:

Myriad Genetics, Inc.
Classification: Pathogenic for Joubert syndrome 3. Last evaluated: 2026-08-08. Review status: criteria provided, single submitter. Criteria: Myriad Autosomal Dominant, Autosomal Recessive and X-Linked Classification Criteria (2023). Collection method: clinical testing. Allele origin: unknown.
Comment: NM_001134831.1(AHI1):c.787dupC(Q263Pfs*8) is expected to be pathogenic in the context of Joubert syndrome, AHI1-related. This variant is predicted to lead to an abnormal or absent protein product due to the creation of a premature termination codon in AHI1, a gene where loss-of-function variants are known to be pathogenic. Please note: this variant was assessed in the context of healthy population screening.

NM_001134831.2(AHI1):c.787dup (p.Gln263fs)

Gene: AHI1 (Abelson helper integration site 1; minus strand). Cytogenetic location: 6q23.3.
Variant type: Duplication.
Coding change: c.787dup on transcript NM_001134831.2 (MANE Select); coding-DNA position 787, one base duplicated (C; older notation c.787dupC).
Protein change: p.Gln263fs; shifts the reading frame from glutamine 263.
Molecular consequence: frameshift variant.
Genome position (GRCh38, 1-based): chr6:135,463,269, G duplicated on the plus strand (C on the coding strand, the reverse complement: AHI1 is on the minus strand). VCF-style (leftmost placement, unchanged base first): chr6-135463268-T-TG. GRCh37 (hg19) VCF-style: chr6-135784406-T-TG.
Other names: c.787dup, p.Gln263fs (NM_001134830.2, NM_001134832.2, NM_001350503.2 and 2 more transcripts); short protein forms Q263fs.
Identifiers: ClinVar variation 5016219 (VCV005016219.1).